The following is an entry in ClinVar:

NM_007294.4(BRCA1):c.5445G>C (p.Trp1815Cys)

Gene: BRCA1 (BRCA1 DNA repair associated; minus strand). Cytogenetic location: 17q21.31.
Variant type: single nucleotide variant.
Coding change: c.5445G>C on transcript NM_007294.4 (MANE Select); coding-DNA position 5445, G replaced by C.
Protein change: p.Trp1815Cys; replaces tryptophan 1815 with cysteine.
Molecular consequence: missense variant. On other transcripts: non-coding transcript variant (1).
Genome position (GRCh38, 1-based): chr17:43,047,665, C>G on the plus strand (G>C on the coding strand, the complement: BRCA1 is on the minus strand). VCF-style: chr17-43047665-C-G. GRCh37 (hg19) VCF-style: chr17-41199682-C-G.
Other names: c.5232G>C, p.Trp1744Cys (NM_001407571.1, NM_001407906.1, NM_001407907.1 and 12 more transcripts); c.5511G>C, p.Trp1837Cys (NM_001407581.1, NM_001407582.1); c.5508G>C, p.Trp1836Cys (NM_001407583.1, NM_001407585.1, NM_001407587.1 and 1 more transcripts); c.5505G>C, p.Trp1835Cys (NM_001407590.1, NM_001407591.1); c.5445G>C, p.Trp1815Cys (NM_001407593.1, NM_001407594.1, NM_001407596.1 and 5 more transcripts); c.5442G>C, p.Trp1814Cys (NM_001407613.1, NM_001407614.1, NM_001407615.1 and 14 more transcripts); c.5439G>C, p.Trp1813Cys (NM_001407632.1, NM_001407633.1, NM_001407634.1 and 13 more transcripts); c.5367G>C, p.Trp1789Cys (NM_001407654.1, NM_001407655.1, NM_001407652.1 and 1 more transcripts); and 83 more; short protein forms W1836C, W1768C, W711C, D687H, W1815C, D1748H, D1749H, D1790H.
Identifiers: ClinVar variation 868899 (VCV000868899.6), dbSNP rs397509284, ClinGen allele CA10590517.

ClinVar aggregate classification (germline): Uncertain significance (1 of 4 stars; one submission).

Conditions:
Hereditary breast ovarian cancer syndrome. Also called: Hereditary breast and ovarian cancer; Hereditary breast and ovarian cancer syndrome (HBOC); Breast and ovarian cancer; Hereditary breast and/or ovarian cancer syndrome; BRCA1- and BRCA2-Associated Hereditary Breast and Ovarian Cancer; Hereditary breast and ovarian cancer syndrome. Identifiers: Orphanet 145, MedGen C0677776, MeSH D061325, MONDO:0003582. Disease mechanism: loss of function.

Submissions (2):

Labcorp Genetics (formerly Invitae), Labcorp
Classification: Uncertain significance for Hereditary breast ovarian cancer syndrome. Last evaluated: 2023-09-27. Review status: criteria provided, single submitter. Criteria: Invitae Variant Classification Sherloc (09022015). Collection method: clinical testing. Allele origin: germline.
Comment: ClinVar contains an entry for this variant (Variation ID: 868899). In summary, the available evidence is currently insufficient to determine the role of this variant in disease. Therefore, it has been classified as a Variant of Uncertain Significance. Advanced modeling performed at Invitae incorporating data from internal and/or published experimental studies (PMID: 30209399) indicates that this missense variant is expected to disrupt BRCA1 function. This variant has not been reported in the literature in individuals affected with BRCA1-related conditions. This variant is not present in population databases (gnomAD no frequency). This sequence change replaces tryptophan, which is neutral and slightly polar, with cysteine, which is neutral and slightly polar, at codon 1815 of the BRCA1 protein (p.Trp1815Cys).

Brotman Baty Institute, University of Washington
No classification provided (evidence only). Condition: Breast-ovarian cancer, familial 1. Review status: no classification provided. Collection method: in vitro. Allele origin: not applicable. Functional consequence: functionally_abnormal. Not counted in ClinVar's aggregate classification.
ClinVar note: "not provided" was previously submitted as the classification for the variant. However, the classification appeared to be based only on an observation of functional data so it was converted to no classification on 2025-07-30.

Literature cited by the submitters: PubMed 30209399 (cited by Labcorp Genetics (formerly Invitae), Labcorp).